The following is an entry in ClinVar:

NM_032752.3(ZNF496):c.1530dup (p.Glu511fs)

Gene: ZNF496 (zinc finger protein 496; minus strand). Cytogenetic location: 1q44.
Variant type: Duplication.
Coding change: c.1530dup on transcript NM_032752.3 (MANE Select); coding-DNA position 1530, one base duplicated (A; older notation c.1530dupA).
Protein change: p.Glu511fs; shifts the reading frame from glutamic acid 511.
Molecular consequence: frameshift variant.
Genome position (GRCh38, 1-based): chr1:247,300,753, T duplicated on the plus strand (A on the coding strand, the reverse complement: ZNF496 is on the minus strand); the first of 3 consecutive T bases (chr1:247,300,753-247,300,755); duplicating any one gives the same sequence. VCF-style (leftmost placement, unchanged base first): chr1-247300752-C-CT. GRCh37 (hg19) VCF-style: chr1-247464054-C-CT.
Other names: short protein forms E511fs.
Identifiers: ClinVar variation 3906954 (VCV003906954.1).

ClinVar aggregate classification (germline): Pathogenic (1 of 4 stars; one submission).

Conditions:
Neurodevelopmental disorders.

Submission:

Oasi Research Institute-IRCCS
Classification: Pathogenic for Neurodevelopmental disorders. Last evaluated: 2025-06-25. Review status: criteria provided, single submitter. Criteria: ACMG Guidelines, 2015. Collection method: clinical testing. Allele origin: de novo. Inheritance: Autosomal dominant inheritance. Affected: yes. Observed: 1 heterozygote.
Comment: The genomic variant c.1530dup is a frameshift mutation located in the ZNF496 gene. This duplication results in the insertion of an additional nucleotide at the cDNA position 1530, which alters the reading frame of the gene from this point forward. The new reading frame predicts a premature stop codon, p.Glu511ArgfsTer16, which is expected to truncate the protein 16 amino acids downstream of the glutamic acid at position 511. This frameshift and subsequent premature termination codon are likely to lead to a loss of normal protein function through mechanisms such as nonsense-mediated mRNA decay or the production of a truncated protein lacking essential functional domains. This variant was classified as "Pathogenetic" according to the ACMG criteria PVS1, PS2 and PM2.